The following is an entry in ClinVar:

ClinVar aggregate classification (germline): Likely benign. Review status: criteria provided, multiple submitters, no conflicts (2 of 4 stars). 2 submissions from 2 submitters: Likely benign (2). Last evaluated 2025-05-11.

Conditions:
Landau-Kleffner syndrome (FESD). Also called: EPILEPSY, FOCAL, WITH SPEECH DISORDER AND WITH OR WITHOUT MENTAL RETARDATION; APHASIA, ACQUIRED, WITH EPILEPSY. Identifiers: Orphanet 1945, Orphanet 725, Orphanet 98818, MedGen C0282512, MONDO:0009509, OMIM 245570.

Allele frequency attached by ClinVar (database versions not stated): gnomAD 0.00001; gnomAD exomes below 0.00001; TOPMed 0.00001.
gnomAD v4.1: 2 of 1,592,642 alleles (0.00013%); highest among the groups gnomAD compares: Non-Finnish European, 0.00017%; no homozygotes.

Submissions (2):

Labcorp Genetics (formerly Invitae), Labcorp
Classification: Likely benign for Landau-Kleffner syndrome. Last evaluated: 2025-05-11. Review status: criteria provided, single submitter. Criteria: Invitae Variant Classification Sherloc (09022015). Collection method: clinical testing. Allele origin: germline.

GeneDx
Classification: Likely benign. Last evaluated: 2017-11-20. Review status: criteria provided, single submitter. Criteria: GeneDx Variant Classification (06012015). Collection method: clinical testing. Allele origin: germline. Affected: yes.
Comment: This variant is considered likely benign or benign based on one or more of the following criteria: it is a conservative change, it occurs at a poorly conserved position in the protein, it is predicted to be benign by multiple in silico algorithms, and/or has population frequency not consistent with disease.

NM_001134407.3(GRIN2A):c.415-11T>G

Gene: GRIN2A (glutamate ionotropic receptor NMDA type subunit 2A; minus strand). Cytogenetic location: 16p13.2.
Variant type: single nucleotide variant.
Coding change: c.415-11T>G on transcript NM_001134407.3 (MANE Select); 11 bases into the intron before coding-DNA position 415, T replaced by G.
Molecular consequence: intron variant.
Genome position (GRCh38, 1-based): chr16:9,938,562, A>C on the plus strand (T>G on the coding strand, the complement: GRIN2A is on the minus strand). VCF-style: chr16-9938562-A-C. GRCh37 (hg19) VCF-style: chr16-10032419-A-C.
Other names: c.415-11T>G (NM_001134408.2, NM_000833.5).
Identifiers: ClinVar variation 513313 (VCV000513313.3), dbSNP rs1320602728, ClinGen allele CA658798548.